The following is an entry in ClinVar:

NM_001367624.2(ZNF469):c.10702G>A (p.Asp3568Asn)

Gene: ZNF469 (zinc finger protein 469; plus strand). Cytogenetic location: 16q24.2.
Variant type: single nucleotide variant.
Coding change: c.10702G>A on transcript NM_001367624.2 (MANE Select); coding-DNA position 10702, G replaced by A.
Protein change: p.Asp3568Asn; replaces aspartic acid 3568 with asparagine.
Molecular consequence: missense variant.
Genome position (GRCh38, 1-based): chr16:88,438,172, G>A. VCF-style: chr16-88438172-G-A. GRCh37 (hg19) VCF-style: chr16-88504580-G-A.
Other names: NM_001127464.1:c.10618G>A; short protein forms D3568N.
Identifiers: ClinVar variation 1901517 (VCV001901517.4), dbSNP rs753228322, ClinGen allele CA286387111.

ClinVar aggregate classification (germline): Uncertain significance. Review status: criteria provided, multiple submitters, no conflicts (2 of 4 stars). 2 submissions from 2 submitters: Uncertain significance (2). Last evaluated 2024-10-06.

Conditions:
Cardiovascular phenotype. Identifiers: MedGen CN230736.

Allele frequency attached by ClinVar (database versions not stated): TOPMed 0.00002; gnomAD 0.00003.
gnomAD v4.1: 87 of 1,549,764 alleles (0.0056%); highest among the groups gnomAD compares: Non-Finnish European, 0.0075%; no homozygotes.

Submissions (2):

Ambry Genetics
Classification: Uncertain significance for Cardiovascular phenotype. Last evaluated: 2024-10-06. Review status: criteria provided, single submitter. Criteria: Ambry Variant Classification Scheme 2023. Collection method: clinical testing. Allele origin: germline.

Labcorp Genetics (formerly Invitae), Labcorp
Classification: Uncertain significance. Last evaluated: 2022-02-03. Review status: criteria provided, single submitter. Criteria: Invitae Variant Classification Sherloc (09022015). Collection method: clinical testing. Allele origin: germline.
Comment: This sequence change replaces aspartic acid, which is acidic and polar, with asparagine, which is neutral and polar, at codon 3540 of the ZNF469 protein (p.Asp3540Asn). This variant is present in population databases (rs753228322, gnomAD 0.005%). This variant has not been reported in the literature in individuals affected with ZNF469-related conditions. Algorithms developed to predict the effect of missense changes on protein structure and function (SIFT, PolyPhen-2, Align-GVGD) all suggest that this variant is likely to be tolerated. In summary, the available evidence is currently insufficient to determine the role of this variant in disease. Therefore, it has been classified as a Variant of Uncertain Significance.